The following is an entry in ClinVar:

ClinVar aggregate classification (germline): Uncertain significance (1 of 4 stars; one submission).

Conditions:
DICER1-related tumor predisposition. Also called: DICER1-related pleuropulmonary blastoma cancer predisposition syndrome; DICER1 syndrome. Identifiers: Orphanet 284343, MedGen C3839822, MONDO:0100216.

Submission:

Labcorp Genetics (formerly Invitae), Labcorp
Classification: Uncertain significance for DICER1-related tumor predisposition. Last evaluated: 2024-04-24. Review status: criteria provided, single submitter. Criteria: Invitae Variant Classification Sherloc (09022015). Collection method: clinical testing. Allele origin: germline.
Comment: This sequence change replaces methionine, which is neutral and non-polar, with leucine, which is neutral and non-polar, at codon 897 of the DICER1 protein (p.Met897Leu). This variant is not present in population databases (gnomAD no frequency). This variant has not been reported in the literature in individuals affected with DICER1-related conditions. ClinVar contains an entry for this variant (Variation ID: 1012137). Advanced modeling of protein sequence and biophysical properties (such as structural, functional, and spatial information, amino acid conservation, physicochemical variation, residue mobility, and thermodynamic stability) performed at Invitae indicates that this missense variant is not expected to disrupt DICER1 protein function with a negative predictive value of 80%. In summary, the available evidence is currently insufficient to determine the role of this variant in disease. Therefore, it has been classified as a Variant of Uncertain Significance.

NM_177438.3(DICER1):c.2689A>C (p.Met897Leu)

Gene: DICER1 (dicer 1, ribonuclease III; minus strand). Cytogenetic location: 14q32.13.
Variant type: single nucleotide variant.
Coding change: c.2689A>C on transcript NM_177438.3 (MANE Select); coding-DNA position 2689, A replaced by C.
Protein change: p.Met897Leu; replaces methionine 897 with leucine.
Molecular consequence: missense variant.
Genome position (GRCh38, 1-based): chr14:95,107,723, T>G on the plus strand (A>C on the coding strand, the complement: DICER1 is on the minus strand). VCF-style: chr14-95107723-T-G. GRCh37 (hg19) VCF-style: chr14-95574060-T-G.
Other names: c.2689A>C, p.Met897Leu (NM_001195573.1, NM_001271282.3, NM_001291628.2 and 1 more transcripts); short protein forms M897L.
Identifiers: ClinVar variation 1012137 (VCV001012137.10), dbSNP rs373729361, ClinGen allele CA390879700.